The following is an entry in ClinVar:

NM_001166114.2(PNPLA6):c.2575C>T (p.Arg859Ter)

Gene: PNPLA6 (patatin like domain 6, lysophospholipase; plus strand). Cytogenetic location: 19p13.2.
Variant type: single nucleotide variant.
Coding change: c.2575C>T on transcript NM_001166114.2 (MANE Select); coding-DNA position 2575, C replaced by T.
Protein change: p.Arg859Ter; replaces arginine 859 with a stop codon.
Molecular consequence: nonsense.
Genome position (GRCh38, 1-based): chr19:7,554,664, C>T. VCF-style: chr19-7554664-C-T. GRCh37 (hg19) VCF-style: chr19-7619550-C-T.
Other names: c.2605C>T, p.Arg869Ter (NM_001166111.2); c.2380C>T, p.Arg794Ter (NM_001166112.2); c.2461C>T, p.Arg821Ter (NM_001166113.1, NM_006702.5); short protein forms R794*, R821*, R859*, R869*.
Identifiers: ClinVar variation 1705437 (VCV001705437.2), dbSNP rs781417400, ClinGen allele CA9140154.

ClinVar aggregate classification (germline): Likely pathogenic. Review status: criteria provided, multiple submitters, no conflicts (2 of 4 stars). 2 submissions from 2 submitters: Likely pathogenic (2). Last evaluated 2022-09-01.

Conditions:
PNPLA6-related disorder. Also called: PNPLA6-related disorders; PNPLA6-related condition.
Hereditary spastic paraplegia 39 (SPG39). Also called: Spastic Paraplegia Type 39 (SPG39); SPASTIC PARAPLEGIA 39, AUTOSOMAL RECESSIVE. Identifiers: Orphanet 139480, MedGen C2677586, MONDO:0012787, OMIM 612020.

Allele frequency attached by ClinVar (database versions not stated): ExAC 0.00001.
gnomAD v4.1: 3 of 1,613,936 alleles (0.00019%); highest among the groups gnomAD compares: Non-Finnish European, 0.00025%; no homozygotes.

Submissions (2):

3billion
Classification: Likely pathogenic for Hereditary spastic paraplegia 39. Last evaluated: 2022-09-01. Review status: criteria provided, single submitter. Criteria: ACMG Guidelines, 2015. Collection method: clinical testing. Allele origin: germline. Affected: yes. Observed: 1 heterozygote.
Comment: The variant is observed at an extremely low frequency in the gnomAD v2.1.1 dataset (total allele frequency: <0.001%). Stop-gained (nonsense) is predicted to result in a loss or disruption of normal protein function through nonsense-mediated decay (NMD) or protein truncation. Multiple pathogenic variants are reported downstream of the variant. Therefore, this variant is classified as Likely pathogenic according to the recommendation of ACMG/AMP guideline.

Blueprint Genetics
Classification: Likely pathogenic for PNPLA6-related disorders. Last evaluated: 2021-07-12. Review status: criteria provided, single submitter. Criteria: ACMG Guidelines, 2015. Collection method: clinical testing. Allele origin: germline. Affected: yes. Observed: 1 variant allele.